The following is an entry in ClinVar:

ClinVar aggregate classification (germline): Benign/Likely benign. Review status: criteria provided, multiple submitters, no conflicts (2 of 4 stars). 3 submissions from 3 submitters: Benign (1); Likely benign (2). Last evaluated 2026-08-19.

Conditions:
DICER1-related tumor predisposition. Also called: DICER1-related pleuropulmonary blastoma cancer predisposition syndrome; DICER1 syndrome. Identifiers: Orphanet 284343, MedGen C3839822, MONDO:0100216.
Hereditary cancer-predisposing syndrome. Also called: Neoplastic Syndromes, Hereditary; Tumor predisposition; Hereditary Cancer Syndrome; Hereditary neoplastic syndrome. Identifiers: Orphanet 140162, MedGen C0027672, MeSH D009386, MONDO:0015356.

Submissions (3):

Myriad Genetics, Inc.
Classification: Benign for DICER1-related tumor predisposition. Last evaluated: 2026-08-19. Review status: criteria provided, single submitter. Criteria: Myriad Autosomal Dominant, Autosomal Recessive and X-Linked Classification Criteria (2023). Collection method: clinical testing. Allele origin: unknown.
Comment: This variant is considered benign. This variant is a silent/synonymous amino acid change and it is not expected to impact splicing.

Labcorp Genetics (formerly Invitae), Labcorp
Classification: Likely benign for DICER1-related tumor predisposition. Last evaluated: 2022-04-21. Review status: criteria provided, single submitter. Criteria: Invitae Variant Classification Sherloc (09022015). Collection method: clinical testing. Allele origin: germline.

Ambry Genetics
Classification: Likely benign for Hereditary cancer-predisposing syndrome. Last evaluated: 2020-07-11. Review status: criteria provided, single submitter. Criteria: Ambry Variant Classification Scheme 2023. Collection method: clinical testing. Allele origin: germline.

NM_177438.3(DICER1):c.2229G>C (p.Thr743=)

Gene: DICER1 (dicer 1, ribonuclease III; minus strand). Cytogenetic location: 14q32.13.
Variant type: single nucleotide variant.
Coding change: c.2229G>C on transcript NM_177438.3 (MANE Select); coding-DNA position 2229, G replaced by C.
Protein change: p.Thr743=; no amino-acid change (threonine 743 retained).
Molecular consequence: synonymous variant.
Genome position (GRCh38, 1-based): chr14:95,111,344, C>G on the plus strand (G>C on the coding strand, the complement: DICER1 is on the minus strand). VCF-style: chr14-95111344-C-G. GRCh37 (hg19) VCF-style: chr14-95577681-C-G.
Other names: c.2229G>C, p.Thr743= (NM_001195573.1, NM_001271282.3, NM_001291628.2 and 1 more transcripts).
Identifiers: ClinVar variation 1668395 (VCV001668395.12), dbSNP rs753276132, ClinGen allele CA487628697.